The following is an entry in ClinVar:

ClinVar aggregate classification (germline): Uncertain significance (1 of 4 stars; one submission).

Conditions:
Heterotaxy, visceral, 4, autosomal (HTX4). Identifiers: Orphanet 450, MedGen C3151057, MONDO:0013403, OMIM 613751.

Allele frequency attached by ClinVar (database versions not stated): gnomAD exomes below 0.00001; TOPMed 0.00001; ESP Exome Variant Server 0.00008.
gnomAD v4.1: 2 of 1,614,140 alleles (0.00012%); highest among the groups gnomAD compares: Non-Finnish European, 0.00017%; no homozygotes.

Submission:

Labcorp Genetics (formerly Invitae), Labcorp
Classification: Uncertain significance for Heterotaxy, visceral, 4, autosomal. Last evaluated: 2022-06-13. Review status: criteria provided, single submitter. Criteria: Invitae Variant Classification Sherloc (09022015). Collection method: clinical testing. Allele origin: germline.
Comment: In summary, the available evidence is currently insufficient to determine the role of this variant in disease. Therefore, it has been classified as a Variant of Uncertain Significance. Advanced modeling of protein sequence and biophysical properties (such as structural, functional, and spatial information, amino acid conservation, physicochemical variation, residue mobility, and thermodynamic stability) performed at Invitae indicates that this missense variant is not expected to disrupt ACVR2B protein function. This variant has not been reported in the literature in individuals affected with ACVR2B-related conditions. This variant is not present in population databases (gnomAD no frequency). This sequence change replaces alanine, which is neutral and non-polar, with threonine, which is neutral and polar, at codon 34 of the ACVR2B protein (p.Ala34Thr).

NM_001106.4(ACVR2B):c.100G>A (p.Ala34Thr)

Gene: ACVR2B (activin A receptor type 2B; plus strand). Cytogenetic location: 3p22.2.
Variant type: single nucleotide variant.
Coding change: c.100G>A on transcript NM_001106.4 (MANE Select); coding-DNA position 100, G replaced by A.
Protein change: p.Ala34Thr; replaces alanine 34 with threonine.
Molecular consequence: missense variant.
Genome position (GRCh38, 1-based): chr3:38,477,334, G>A. VCF-style: chr3-38477334-G-A. GRCh37 (hg19) VCF-style: chr3-38518825-G-A.
Other names: short protein forms A34T.
Identifiers: ClinVar variation 1983435 (VCV001983435.4), dbSNP rs371756878, ClinGen allele CA72924016.